The following is an entry in ClinVar:

ClinVar aggregate classification (germline): Uncertain significance (1 of 4 stars; one submission).

gnomAD v4.1: 21 of 1,613,530 alleles (0.0013%); highest among the groups gnomAD compares: Middle Eastern, 0.016%; no homozygotes.

Submission:

Dasa
Classification: Uncertain significance. Last evaluated: 2025-11-22. Review status: criteria provided, single submitter. Criteria: DASA Assertion Criteria. Collection method: clinical testing. Allele origin: germline.
Comment: NM_001287491.2(TET3):c.1844G>A (p.Arg615Gln) is a missense variant that results in the substitution of arginine with glutamine. This variant is rare in population databases. Computational prediction algorithms are consistent with a benign effect. The currently available literature and clinical evidence are not sufficient to establish a definitive association between this variant and the reported condition. Therefore, this variant is classified as a variant of uncertain significance.

NM_001287491.2(TET3):c.1844G>A (p.Arg615Gln)

Gene: TET3 (tet methylcytosine dioxygenase 3; plus strand). Cytogenetic location: 2p13.1.
Variant type: single nucleotide variant.
Coding change: c.1844G>A on transcript NM_001287491.2 (MANE Select); coding-DNA position 1844, G replaced by A.
Protein change: p.Arg615Gln; replaces arginine 615 with glutamine.
Molecular consequence: missense variant.
Genome position (GRCh38, 1-based): chr2:74,047,761, G>A. VCF-style: chr2-74047761-G-A. GRCh37 (hg19) VCF-style: chr2-74274888-G-A.
Other names: c.1565G>A, p.Arg522Gln (NM_001366022.1); short protein forms R522Q, R615Q.
Identifiers: ClinVar variation 4885274 (VCV004885274.2).